The following is an entry in ClinVar:

NM_001040108.2(MLH3):c.1886A>C (p.Asn629Thr)

Gene: MLH3 (mutL homolog 3; minus strand). Cytogenetic location: 14q24.3.
Variant type: single nucleotide variant.
Coding change: c.1886A>C on transcript NM_001040108.2 (MANE Select); coding-DNA position 1886, A replaced by C.
Protein change: p.Asn629Thr; replaces asparagine 629 with threonine.
Molecular consequence: missense variant.
Genome position (GRCh38, 1-based): chr14:75,047,770, T>G on the plus strand (A>C on the coding strand, the complement: MLH3 is on the minus strand). VCF-style: chr14-75047770-T-G. GRCh37 (hg19) VCF-style: chr14-75514473-T-G.
Other names: c.1886A>C, p.Asn629Thr (NM_014381.3); short protein forms N629T.
Identifiers: ClinVar variation 3396634 (VCV003396634.3).

ClinVar aggregate classification (germline): Uncertain significance. Review status: criteria provided, multiple submitters, no conflicts (2 of 4 stars). 2 submissions from 2 submitters: Uncertain significance (2). Last evaluated 2024-09-30.

Conditions:
Colorectal cancer, hereditary nonpolyposis, type 7. Identifiers: Orphanet 144, MedGen C1858380, MONDO:0013725, OMIM 614385.

gnomAD v4.1: 1 of 1,614,100 alleles (0.000062%); highest among the groups gnomAD compares: Non-Finnish European, 0.000085%; no homozygotes.

Submissions (2):

Ambry Genetics
Classification: Uncertain significance. Last evaluated: 2024-09-30. Review status: criteria provided, single submitter. Criteria: Ambry Variant Classification Scheme 2023. Collection method: clinical testing. Allele origin: germline.
Comment: The p.N629T variant (also known as c.1886A>C), located in coding exon 1 of the MLH3 gene, results from an A to C substitution at nucleotide position 1886. The asparagine at codon 629 is replaced by threonine, an amino acid with similar properties. This amino acid position is conserved. In addition, this alteration is predicted to be tolerated by in silico analysis. Based on the available evidence, the clinical significance of this variant remains unclear.

Labcorp Genetics (formerly Invitae), Labcorp
Classification: Uncertain significance for Colorectal cancer, hereditary nonpolyposis, type 7. Last evaluated: 2024-06-23. Review status: criteria provided, single submitter. Criteria: Invitae Variant Classification Sherloc (09022015). Collection method: clinical testing. Allele origin: germline.
Comment: This sequence change replaces asparagine, which is neutral and polar, with threonine, which is neutral and polar, at codon 629 of the MLH3 protein (p.Asn629Thr). This variant is not present in population databases (gnomAD no frequency). This variant has not been reported in the literature in individuals affected with MLH3-related conditions. An algorithm developed to predict the effect of missense changes on protein structure and function (PolyPhen-2) suggests that this variant is likely to be tolerated. In summary, the available evidence is currently insufficient to determine the role of this variant in disease. Therefore, it has been classified as a Variant of Uncertain Significance.